The following is an entry in ClinVar:

ClinVar aggregate classification (germline): Uncertain significance (1 of 4 stars; one submission).

Submission:

GeneDx
Classification: Uncertain significance. Last evaluated: 2018-12-12. Review status: criteria provided, single submitter. Criteria: GeneDx Variant Classification Process June 2021. Collection method: clinical testing. Allele origin: germline. Affected: yes.
Comment: Not observed in large population cohorts (Lek et al., 2016); The majority of missense variants in this gene are considered pathogenic; In silico analysis, which includes protein predictors and evolutionary conservation, supports a deleterious effect; Has not been previously published as pathogenic or benign to our knowledge

NM_001165963.4(SCN1A):c.2378C>A (p.Thr793Lys)

Gene: SCN1A (sodium voltage-gated channel alpha subunit 1; minus strand). Cytogenetic location: 2q24.3.
Variant type: single nucleotide variant.
Coding change: c.2378C>A on transcript NM_001165963.4 (MANE Select); coding-DNA position 2378, C replaced by A.
Protein change: p.Thr793Lys; replaces threonine 793 with lysine.
Molecular consequence: missense variant. On other transcripts: 5 prime UTR variant (1), non-coding transcript variant (1).
Genome position (GRCh38, 1-based): chr2:166,041,268, G>T on the plus strand (C>A on the coding strand, the complement: SCN1A is on the minus strand). VCF-style: chr2-166041268-G-T. GRCh37 (hg19) VCF-style: chr2-166897778-G-T.
Other names: c.2294C>A, p.Thr765Lys (NM_001165964.3, NM_001353957.2, NM_001353958.2); c.2378C>A, p.Thr793Lys (NM_001202435.3, NM_001353948.2); c.2345C>A, p.Thr782Lys (NM_001353949.2, NM_001353950.2, NM_001353951.2 and 2 more transcripts); c.2342C>A, p.Thr781Lys (NM_001353954.2, NM_001353955.2); c.2291C>A, p.Thr764Lys (NM_001353960.2); c.-81C>A (NM_001353961.2); short protein forms T764K, T765K, T781K, T782K, T793K.
Identifiers: ClinVar variation 1304428 (VCV001304428.2), dbSNP rs762038032, ClinGen allele CA349063876.